The following is an entry in ClinVar:

NM_018051.5(DYNC2I1):c.69G>A (p.Trp23Ter)

Gene: DYNC2I1 (dynein 2 intermediate chain 1; plus strand). Cytogenetic location: 7q36.3.
Variant type: single nucleotide variant.
Coding change: c.69G>A on transcript NM_018051.5 (MANE Select); coding-DNA position 69, G replaced by A.
Protein change: p.Trp23Ter; replaces tryptophan 23 with a stop codon.
Molecular consequence: nonsense. On other transcripts: 5 prime UTR variant (5).
Genome position (GRCh38, 1-based): chr7:158,869,908, G>A. VCF-style: chr7-158869908-G-A. GRCh37 (hg19) VCF-style: chr7-158662599-G-A.
Other names: c.-70G>A (NM_001350914.2); c.-449G>A (NM_001350915.2); c.-1290G>A (NM_001350916.2); c.-1298G>A (NM_001350917.2); c.-1417G>A (NM_001350918.2); short protein forms W23*.
Identifiers: ClinVar variation 572127 (VCV000572127.10), dbSNP rs202111347, ClinGen allele CA4594224.

ClinVar aggregate classification (germline): Conflicting classifications of pathogenicity. Review status: criteria provided, conflicting classifications (1 of 4 stars). 4 submissions from 4 submitters: Likely pathogenic (1); Uncertain significance (2). 1 of the submissions does not count toward it. Last evaluated 2024-01-15.

Conditions:
Short-rib thoracic dysplasia 8 with or without polydactyly (SRTD8). Also called: SHORT-RIB THORACIC DYSPLASIA 8 WITH POLYDACTYLY. Identifiers: Orphanet 93271, MedGen C3809691, MONDO:0014214, OMIM 615503.

Allele frequency attached by ClinVar (database versions not stated): gnomAD exomes 0.00015 and 0.00034; gnomAD 0.00017 and 0.00019; ESP Exome Variant Server 0.00008; ExAC 0.00028; TOPMed 0.00019.
gnomAD v4.1: 279 of 1,613,130 alleles (0.017%); highest among the groups gnomAD compares: Non-Finnish European, 0.0037%; 1 homozygote.

Submissions (8):

Labcorp Genetics (formerly Invitae), Labcorp
Classification: Uncertain significance for Short-rib thoracic dysplasia 8 with or without polydactyly. Last evaluated: 2024-01-15. Review status: criteria provided, single submitter. Criteria: Invitae Variant Classification Sherloc (09022015). Collection method: clinical testing. Allele origin: germline.
Comment: This sequence change creates a premature translational stop signal (p.Trp23*) in the WDR60 gene. However, it is currently unclear if variants that occur in this region of the gene cause disease. This variant is present in population databases (rs202111347, gnomAD 0.7%). This variant has not been reported in the literature in individuals affected with WDR60-related conditions. ClinVar contains an entry for this variant (Variation ID: 572127). Algorithms developed to predict the effect of sequence changes on RNA splicing suggest that this variant may disrupt the consensus splice site. In summary, the available evidence is currently insufficient to determine the role of this variant in disease. Therefore, it has been classified as a Variant of Uncertain Significance.

Department of Pathology and Laboratory Medicine, Sinai Health System
Classification: Likely pathogenic for short-rib thoracic dysplasia 8 with or without polydactyly. Last evaluated: 2022-11-01. Review status: criteria provided, single submitter. Criteria: ACMG Guidelines, 2015. Collection method: research. Allele origin: germline.

Laboratory for Molecular Medicine, Mass General Brigham Personalized Medicine
Classification: Uncertain significance. Last evaluated: 2018-10-12. Review status: criteria provided, single submitter. Criteria: LMM Criteria. Collection method: clinical testing. Allele origin: germline. Observed: 1 variant allele.
Comment: Variant classified as Uncertain Significance - Favor Benign. The p.Trp23X varian t in WDR60 has not been reported in individuals with short rib-thoracic dysplasi a, but has been identified in 0.7% (69/9846) of Ashkenazi Jewish chromosomes by the Genome Aggregation Database (gnomAD). This nonsense variant leads to a prema ture termination codon at position 23, however, it only occurs in one transcript of the gene (NM_018051.4). This variant also occurs in the last bases of the ex on, which is part of the 5? splice region and computational tools predict altere d splicing. In summary, the clinical significance of the p.Trp23X variant is unc ertain. ACMG/AMP Criteria applied: BS1_Supporting.

Reproductive Health Research and Development, BGI Genomics
Classification: Uncertain significance for Short-rib thoracic dysplasia 8 with or without polydactyly. Last evaluated: 2020-01-06. Review status: no assertion criteria provided. Collection method: curation. Allele origin: germline. Not counted in ClinVar's aggregate classification.
Comment: NM_018051.4:c.69G>A in the WDR60 gene has an allele frequency of 0.007 in Ashkenazi Jewish subpopulation in the gnomAD database. This sequence change creates a premature translational stop signal (p.Trp23*) in the WDR60 gene. Pathogenic computational verdict because pathogenic predictions from DANN, EIGEN, FATHMM-MKL and MutationTaster . It is expected to result in an absent or disrupted protein product. Taken together, we interprete this variant as variant of uncertain significance (VUS). ACMG/AMP Criteria applied: PVS1; PP3.

Dr. Peter K. Rogan Lab, Western University
No classification provided (evidence only). Condition: Clear cell carcinoma of kidney. Review status: no classification provided. Collection method: in vitro. Allele origin: not applicable. Functional consequence: skipped exon, retained intron. Not counted in ClinVar's aggregate classification.

Dr. Peter K. Rogan Lab, Western University
No classification provided (evidence only). Condition: Colon adenocarcinoma. Review status: no classification provided. Collection method: in vitro. Allele origin: not applicable. Functional consequence: retained intron. Not counted in ClinVar's aggregate classification.

Dr. Peter K. Rogan Lab, Western University
No classification provided (evidence only). Condition: Sarcoma. Review status: no classification provided. Collection method: in vitro. Allele origin: not applicable. Functional consequence: skipped exon, retained intron. Not counted in ClinVar's aggregate classification.

Dr. Peter K. Rogan Lab, Western University
No classification provided (evidence only). Condition: Malignant tumor of esophagus. Review status: no classification provided. Collection method: in vitro. Allele origin: not applicable. Functional consequence: skipped exon, retained intron. Not counted in ClinVar's aggregate classification.